The following is an entry in ClinVar:

ClinVar aggregate classification (germline): Uncertain significance (1 of 4 stars; one submission).

gnomAD v4.1: 1 of 1,550,432 alleles (0.000064%); highest among the groups gnomAD compares: Non-Finnish European, 0.000087%; no homozygotes.

Submission:

Labcorp Genetics (formerly Invitae), Labcorp
Classification: Uncertain significance. Last evaluated: 2025-07-30. Review status: criteria provided, single submitter. Criteria: Invitae Variant Classification Sherloc (09022015). Collection method: clinical testing. Allele origin: germline.
Comment: This sequence change replaces leucine, which is neutral and non-polar, with phenylalanine, which is neutral and non-polar, at codon 1490 of the ZNF469 protein (p.Leu1490Phe). This variant is not present in population databases (gnomAD no frequency). This variant has not been reported in the literature in individuals affected with ZNF469-related conditions. An algorithm developed to predict the effect of missense changes on protein structure and function (PolyPhen-2) suggests that this variant is likely to be disruptive. In summary, the available evidence is currently insufficient to determine the role of this variant in disease. Therefore, it has been classified as a Variant of Uncertain Significance.

NM_001367624.2(ZNF469):c.4552C>T (p.Leu1518Phe)

Gene: ZNF469 (zinc finger protein 469; plus strand). Cytogenetic location: 16q24.2.
Variant type: single nucleotide variant.
Coding change: c.4552C>T on transcript NM_001367624.2 (MANE Select); coding-DNA position 4552, C replaced by T.
Protein change: p.Leu1518Phe; replaces leucine 1518 with phenylalanine.
Molecular consequence: missense variant.
Genome position (GRCh38, 1-based): chr16:88,432,022, C>T. VCF-style: chr16-88432022-C-T. GRCh37 (hg19) VCF-style: chr16-88498430-C-T.
Other names: short protein forms L1518F.
Identifiers: ClinVar variation 4771358 (VCV004771358.1).